The following is an entry in ClinVar:

ClinVar aggregate classification (germline): Uncertain significance (1 of 4 stars; one submission).

Submission:

Labcorp Genetics (formerly Invitae), Labcorp
Classification: Uncertain significance. Last evaluated: 2024-06-22. Review status: criteria provided, single submitter. Criteria: Invitae Variant Classification Sherloc (09022015). Collection method: clinical testing. Allele origin: germline.
Comment: This sequence change replaces methionine, which is neutral and non-polar, with threonine, which is neutral and polar, at codon 261 of the GATAD2B protein (p.Met261Thr). This variant is not present in population databases (gnomAD no frequency). This variant has not been reported in the literature in individuals affected with GATAD2B-related conditions. Advanced modeling of protein sequence and biophysical properties (such as structural, functional, and spatial information, amino acid conservation, physicochemical variation, residue mobility, and thermodynamic stability) has been performed at Invitae for this missense variant, however the output from this modeling did not meet the statistical confidence thresholds required to predict the impact of this variant on GATAD2B protein function. In summary, the available evidence is currently insufficient to determine the role of this variant in disease. Therefore, it has been classified as a Variant of Uncertain Significance.

NM_020699.4(GATAD2B):c.782T>C (p.Met261Thr)

Gene: GATAD2B (GATA zinc finger domain containing 2B; minus strand). Cytogenetic location: 1q21.3.
Variant type: single nucleotide variant.
Coding change: c.782T>C on transcript NM_020699.4 (MANE Select); coding-DNA position 782, T replaced by C.
Protein change: p.Met261Thr; replaces methionine 261 with threonine.
Molecular consequence: missense variant.
Genome position (GRCh38, 1-based): chr1:153,817,490, A>G on the plus strand (T>C on the coding strand, the complement: GATAD2B is on the minus strand). VCF-style: chr1-153817490-A-G. GRCh37 (hg19) VCF-style: chr1-153789966-A-G.
Other names: short protein forms M261T.
Identifiers: ClinVar variation 3604800 (VCV003604800.2).